The following is an entry in ClinVar:

NM_000834.5(GRIN2B):c.2360-15C>A

Gene: GRIN2B (glutamate ionotropic receptor NMDA type subunit 2B; minus strand). Cytogenetic location: 12p13.1.
Variant type: single nucleotide variant.
Coding change: c.2360-15C>A on transcript NM_000834.5 (MANE Select); 15 bases into the intron before coding-DNA position 2360, C replaced by A.
Molecular consequence: intron variant.
Genome position (GRCh38, 1-based): chr12:13,567,278, G>T on the plus strand (C>A on the coding strand, the complement: GRIN2B is on the minus strand). VCF-style: chr12-13567278-G-T. GRCh37 (hg19) VCF-style: chr12-13720212-G-T.
Identifiers: ClinVar variation 509991 (VCV000509991.4), dbSNP rs1555103197, ClinGen allele CA658797844.

ClinVar aggregate classification (germline): Likely benign. Review status: criteria provided, multiple submitters, no conflicts (2 of 4 stars). 2 submissions from 2 submitters: Likely benign (2). Last evaluated 2023-08-10.

Conditions:
Developmental and epileptic encephalopathy, 27 (DEE27). Also called: GRIN2B-Related Neurodevelopmental Disorder; Epileptic encephalopathy, early infantile, 27. Identifiers: Orphanet 3451, MedGen C4015316, MONDO:0014505, OMIM 616139.
Intellectual developmental disorder, autosomal dominant 6, with or without seizures. Also called: GRIN2B-related developmental delay, intellectual disability and autism spectrum disorder; Intellectual disability, autosomal dominant 6. Identifiers: Orphanet 589547, MedGen C3151411, MONDO:0013509, OMIM 613970.

Allele frequency attached by ClinVar (database versions not stated): gnomAD exomes below 0.00001.
gnomAD v4.1: 1 of 1,581,236 alleles (0.000063%); highest among the groups gnomAD compares: Admixed American, 0.0017%; no homozygotes.

Submissions (2):

Labcorp Genetics (formerly Invitae), Labcorp
Classification: Likely benign for Developmental and epileptic encephalopathy, 27; Intellectual developmental disorder, autosomal dominant 6, with or without seizures. Last evaluated: 2023-08-10. Review status: criteria provided, single submitter. Criteria: Invitae Variant Classification Sherloc (09022015). Collection method: clinical testing. Allele origin: germline.

GeneDx
Classification: Likely benign. Last evaluated: 2017-06-02. Review status: criteria provided, single submitter. Criteria: GeneDx Variant Classification (06012015). Collection method: clinical testing. Allele origin: germline. Affected: yes.
Comment: This variant is considered likely benign or benign based on one or more of the following criteria: it is a conservative change, it occurs at a poorly conserved position in the protein, it is predicted to be benign by multiple in silico algorithms, and/or has population frequency not consistent with disease.